The following is an entry in ClinVar:

NM_000059.4(BRCA2):c.7928C>G (p.Ala2643Gly)

Gene: BRCA2 (BRCA2 DNA repair associated; plus strand). Cytogenetic location: 13q13.1.
Variant type: single nucleotide variant.
Coding change: c.7928C>G on transcript NM_000059.4 (MANE Select); coding-DNA position 7928, C replaced by G.
Protein change: p.Ala2643Gly; replaces alanine 2643 with glycine.
Molecular consequence: missense variant.
Genome position (GRCh38, 1-based): chr13:32,362,645, C>G. VCF-style: chr13-32362645-C-G. GRCh37 (hg19) VCF-style: chr13-32936782-C-G.
Other names: 8156C>G; short protein forms A2643G.
Identifiers: ClinVar variation 52436 (VCV000052436.38), dbSNP rs80359018, ClinGen allele CA025338.

ClinVar aggregate classification (germline): Conflicting classifications of pathogenicity. Review status: criteria provided, conflicting classifications (1 of 4 stars). 14 submissions from 14 submitters: Uncertain significance (3); Likely benign (7). 4 of the submissions do not count toward it. Last evaluated 2026-01-28.

Conditions:
Hereditary breast ovarian cancer syndrome. Also called: Hereditary breast and ovarian cancer syndrome; Hereditary breast and ovarian cancer; Hereditary breast and ovarian cancer syndrome (HBOC); Breast and ovarian cancer; Hereditary breast and/or ovarian cancer syndrome; BRCA1- and BRCA2-Associated Hereditary Breast and Ovarian Cancer. Identifiers: Orphanet 145, MedGen C0677776, MeSH D061325, MONDO:0003582. Disease mechanism: loss of function.
Hereditary cancer. Identifiers: MedGen C1333600.
Hereditary cancer-predisposing syndrome. Also called: Neoplastic Syndromes, Hereditary; Tumor predisposition; Hereditary neoplastic syndrome; Hereditary Cancer Syndrome. Identifiers: Orphanet 140162, MedGen C0027672, MeSH D009386, MONDO:0015356.
Breast-ovarian cancer, familial, susceptibility to, 2 (BROVCA2). Also called: BRCA2 Hereditary Breast and Ovarian Cancer. Identifiers: Orphanet 145, MedGen C2675520, MONDO:0012933, OMIM 612555. Disease mechanism: loss of function.

Allele frequency attached by ClinVar (database versions not stated): gnomAD 0.00001; ExAC 0.00002; gnomAD exomes 0.00002; TOPMed 0.00002; ESP Exome Variant Server 0.00008.
gnomAD v4.1: 24 of 1,614,064 alleles (0.0015%); highest among the groups gnomAD compares: Non-Finnish European, 0.0019%; no homozygotes.

Submissions (14):

Labcorp Genetics (formerly Invitae), Labcorp
Classification: Likely benign for Hereditary breast ovarian cancer syndrome. Last evaluated: 2026-01-28. Review status: criteria provided, single submitter. Criteria: Invitae Variant Classification Sherloc (09022015). Collection method: clinical testing. Allele origin: germline.

Center for Genomic Medicine, Rigshospitalet, Copenhagen University Hospital
Classification: Likely benign. Last evaluated: 2025-12-29. Review status: criteria provided, single submitter. Criteria: ACMG Guidelines, 2015. Collection method: clinical testing. Allele origin: germline.
Comment: Classification criteria: BP4, BS3

Quest Diagnostics Nichols Institute San Juan Capistrano
Classification: Uncertain significance. Last evaluated: 2024-08-20. Review status: criteria provided, single submitter. Criteria: Quest Diagnostics criteria. Collection method: clinical testing. Allele origin: unknown.
Comment: The BRCA2 c.7928C>G (p.Ala2643Gly) variant has been reported in the published literature in an individual belonging to a high-risk hereditary breast and ovarian cancer family (PMID: 22476429 (2012)). Multifactorial analysis have shown this variant is likely to be neutral (PMIDs: 34597585 (2021), 19043619 (2008), 18451181 (2008)). Functional studies indicate that this variant does not have an impact on the function of the BRCA2 protein (PMID: 18451181 (2008), 29988080 (2018)). The frequency of this variant in the general population, 0.000044 (5/113592 chromosomes (Genome Aggregation Database)), is uninformative in the assessment of its pathogenicity. Analysis of this variant using bioinformatics tools for the prediction of the effect of amino acid changes on protein structure and function yielded conflicting predictions that this variant is benign or damaging. Based on the available information, we are unable to determine the clinical significance of this variant.

Mendelics
Classification: Likely benign for Hereditary cancer. Last evaluated: 2024-01-23. Review status: criteria provided, single submitter. Criteria: ACMG Guidelines, 2015. Collection method: clinical testing. Allele origin: unknown.

All of Us Research Program, National Institutes of Health
Classification: Likely benign for Breast-ovarian cancer, familial, susceptibility to, 2. Last evaluated: 2023-10-23. Review status: criteria provided, single submitter. Criteria: ACMG Guidelines, 2015. Collection method: clinical testing. Allele origin: germline. Inheritance: Autosomal dominant inheritance. Observed: 2 variant alleles, 2 heterozygotes.
Comment: This study involves interpretation of variants in research participants for the purpose of population health screening. Participant phenotype was not available at the time of variant classification. Additional details can be found in publication PMID: 35346344, PMCID: PMC8962531

GeneDx
Classification: Uncertain significance. Last evaluated: 2023-05-22. Review status: criteria provided, single submitter. Criteria: GeneDx Variant Classification Process June 2021. Collection method: clinical testing. Allele origin: germline. Affected: yes.
Comment: Observed in individuals with personal and/or family history of breast, ovarian, or pancreatic cancer, but also observed in unaffected controls (Thry et al., 2011; Lu et al., 2012; Shimelis et al., 2017; Mesman et al., 2018; Machackova et al., 2019; Wong et al., 2019); In silico analysis supports that this missense variant does not alter protein structure/function; Not observed at significant frequency in large population cohorts (gnomAD); Also known as 8156C>G; This variant is associated with the following publications: (PMID: 22505045, 25447315, 24323938, 18451181, 23893897, 28283652, 26913838, 30212499, 22476429, 21673748, 19043619, 29988080, 31131967, 31469826, 31409081, 34597585, 25348012, 12228710)

Women's Health and Genetics/Laboratory Corporation of America, LabCorp
Classification: Likely benign. Last evaluated: 2022-10-11. Review status: criteria provided, single submitter. Criteria: LabCorp Variant Classification Summary - May 2015. Collection method: clinical testing. Allele origin: germline.
Comment: Variant summary: BRCA2 c.7928C>G (p.Ala2643Gly) results in a non-conservative amino acid change located in the Breast cancer type 2 susceptibility protein, helical domain (IPR015252) of the encoded protein sequence. Five of five in-silico tools predict a damaging effect of the variant on protein function. The variant allele was found at a frequency of 2e-05 in 251292 control chromosomes. The available data on variant occurrences in the general population are insufficient to allow any conclusion about variant significance. c.7928C>G has been reported in the literature in individuals affected with Breast and/or Ovarian Cancer (example, Lu_2012, Thery_2011). These report(s) do not provide unequivocal conclusions about association of the variant with Hereditary Breast And Ovarian Cancer Syndrome. At-least one co-occurrence with another pathogenic variant has been reported in the BIC database (BRCA2 c.2309C>A, p.Ser770*), providing supporting evidence for a benign role. Multiple publications report experimental evidence evaluating an impact on protein function (example, Farrugia_2008, Mesman_2018). These results showed no damaging effect of this variant on homology directed repair (HDR) activity. Seven clinical diagnostic laboratories have submitted clinical-significance assessments for this variant to ClinVar after 2014 without evidence for independent evaluation. Multiple laboratories reported the variant with conflicting assessments (Likely benign, n=4; VUS, n=3). Some submitters cite overlapping evidence utilized in the context of this evaluation. Based on the evidence outlined above, the variant was classified as likely benign.

Institute for Clinical Genetics, University Hospital TU Dresden, University Hospital TU Dresden
Classification: Uncertain significance. Last evaluated: 2021-11-03. Review status: criteria provided, single submitter. Criteria: ACMG Guidelines, 2015. Collection method: clinical testing. Allele origin: germline.

Color Diagnostics, LLC DBA Color Health
Classification: Likely benign for Hereditary cancer-predisposing syndrome. Last evaluated: 2021-09-22. Review status: criteria provided, single submitter. Criteria: ACMG Guidelines, 2015. Collection method: clinical testing. Allele origin: germline.

Ambry Genetics
Classification: Likely benign for Hereditary cancer-predisposing syndrome. Last evaluated: 2018-06-20. Review status: criteria provided, single submitter. Criteria: Ambry Variant Classification Scheme 2023. Collection method: clinical testing. Allele origin: germline.

Counsyl
Classification: Uncertain significance for Breast-ovarian cancer, familial, susceptibility to, 2. Last evaluated: 2016-11-09. Review status: no assertion criteria provided. Collection method: clinical testing. Allele origin: unknown. Not counted in ClinVar's aggregate classification.

Sharing Clinical Reports Project (SCRP)
Classification: Likely benign for Breast-ovarian cancer, familial 2. Last evaluated: 2013-02-04. Review status: no assertion criteria provided. Collection method: clinical testing. Allele origin: germline. Not counted in ClinVar's aggregate classification.

Breast Cancer Information Core (BIC) (BRCA2)
Classification: Uncertain significance for Breast-ovarian cancer, familial 2. Last evaluated: 2002-06-20. Review status: no assertion criteria provided. Collection method: clinical testing. Allele origin: germline. Affected: yes. Observed: 3 variant alleles. Not counted in ClinVar's aggregate classification.

Department of Pathology and Laboratory Medicine, Sinai Health System
Classification: Uncertain significance for Breast-ovarian cancer, familial, susceptibility to, 2. Review status: no assertion criteria provided. Collection method: clinical testing. Allele origin: unknown. Affected: yes. Observed: 1 variant allele. Study: The Canadian Open Genetics Repository (COGR). Not counted in ClinVar's aggregate classification.
Comment: The p.Ala2643Gly variant was identified as neutral in a functional assay assessing the ability of the variant to repair DNA damage by homologous recombination, and control of centriole amplification (Farrugia 2008). Another functional assay assessing splicing effects using a reporter minigene found no splicing defect and patient RNA behaved as wildtype (Thery 2011). The variant was also found to be neutral using a computational method using probabilistic likelihood ratios, predicting protein function impairment (Karchin 2008). The variant was identified in dbSNP (ID: rs80359018) â€šÃ„ÃºWith unknown pathogenicityâ€šÃ„Ã¹, but no frequency information was provided; NHLBI Exome Sequencing Project (Exome Variant Server project in 1 of 8600 European American alleles (frequency: 0.0001); the Exome Aggregation Consortium (ExAC) database (released Jan 13, 2015) in 3 of 121376 chromosomes (frequency: 0.000025) (OR 3 individuals from a population of European (Non-Finnish) individuals and none from East Asian, Other, African, Latino, South Asian, or European (Finnish) individuals); Clinvitae database (3x), the ClinVar database (unclassified due to conflicting interpretations, with likely benign by the Sharing Clinical Reports Project, derived from Myriad reports, and Ambry Genetics; as uncertain significance by BIC, and classification not provided by Invitae), the BIC database (3X with unknown clinical importance and pending classification), and UMD (unavailable). The p.Ala2643 residue was conserved in mammals but not other organisms and computational analyses (PolyPhen-2, SIFT, AlignGVGD, BLOSUM, MutationTaster) provide inconsistent predictions regarding the impact to the protein; this information is not very predictive of pathogenicity. Two of 5 in-silico splicing software tools (NNSPLICE, GeneSplicer, Human Splicing Finder, MaxEntScan, SpliceSiteFinder-like) predict creation of a 5' splicing site, although this information is not very predictive of pathogenicity. In summary, based on the above information, the clinical significance of this variant cannot be determined with certainty at this time; this variant is classified as a variant of unknown significance.

Literature cited by the submitters: PubMed 29988080 (cited by 3 submitters); PubMed 32444794 (cited by Center for Genomic Medicine, Rigshospitalet, Copenhagen University Hospital); PubMed 24323938 (cited by 3 submitters); PubMed 22505045 (cited by 3 submitters); PubMed 22476429 (cited by 3 submitters); PubMed 19043619 (cited by 3 submitters); PubMed 21673748 (cited by 4 submitters); PubMed 18451181 (cited by 4 submitters); PubMed 34597585 (cited by Quest Diagnostics Nichols Institute San Juan Capistrano); PubMed 25348012 (cited by Women's Health and Genetics/Laboratory Corporation of America, LabCorp); PubMed 25447315 (cited by Women's Health and Genetics/Laboratory Corporation of America, LabCorp).